The following is an entry in ClinVar:

ClinVar aggregate classification (germline): Uncertain significance (1 of 4 stars; one submission).

Allele frequency attached by ClinVar (database versions not stated): gnomAD 0.00001; gnomAD exomes 0.00001; ExAC 0.00002; TOPMed 0.00002.

Submission:

Labcorp Genetics (formerly Invitae), Labcorp
Classification: Uncertain significance. Last evaluated: 2024-07-31. Review status: criteria provided, single submitter. Criteria: Invitae Variant Classification Sherloc (09022015). Collection method: clinical testing. Allele origin: germline.
Comment: This sequence change replaces aspartic acid, which is acidic and polar, with asparagine, which is neutral and polar, at codon 297 of the P4HB protein (p.Asp297Asn). This variant is present in population databases (rs746018643, gnomAD 0.004%). This variant has not been reported in the literature in individuals affected with P4HB-related conditions. ClinVar contains an entry for this variant (Variation ID: 1904906). An algorithm developed to predict the effect of missense changes on protein structure and function (PolyPhen-2) suggests that this variant is likely to be tolerated. In summary, the available evidence is currently insufficient to determine the role of this variant in disease. Therefore, it has been classified as a Variant of Uncertain Significance.

NM_000918.4(P4HB):c.889G>A (p.Asp297Asn)

Gene: P4HB (prolyl 4-hydroxylase subunit beta; minus strand). Cytogenetic location: 17q25.3.
Variant type: single nucleotide variant.
Coding change: c.889G>A on transcript NM_000918.4 (MANE Select); coding-DNA position 889, G replaced by A.
Protein change: p.Asp297Asn; replaces aspartic acid 297 with asparagine.
Molecular consequence: missense variant.
Genome position (GRCh38, 1-based): chr17:81,846,596, C>T on the plus strand (G>A on the coding strand, the complement: P4HB is on the minus strand). VCF-style: chr17-81846596-C-T. GRCh37 (hg19) VCF-style: chr17-79804472-C-T.
Other names: short protein forms D297N.
Identifiers: ClinVar variation 1904906 (VCV001904906.5), dbSNP rs746018643, ClinGen allele CA8842793.
Genomic context (GRCh38, chr17:81,846,596, plus strand): 5'-GGCGCACGGCCGGGCACTCTTCCTTCTTCAGGCCAAAGAACTCGAGGATGCGCTGGTTGT[C>T]GGTGTGGTCGCTGTCGATGAAGATGAACAGGATCTGGGGGAGAAAAGGAGGTTGCACAGG-3'
Protein context (NP_000909.2, residues 287-307): LFIFIDSDHT[Asp297Asn]NQRILEFFGL